The following is an entry in ClinVar:

ClinVar aggregate classification (germline): Conflicting classifications of pathogenicity. Review status: criteria provided, conflicting classifications (1 of 4 stars). 6 submissions from 6 submitters: Uncertain significance (5); Benign (1). Last evaluated 2025-11-25.

Conditions:
Hereditary cancer-predisposing syndrome. Also called: Tumor predisposition; Hereditary Cancer Syndrome; Hereditary neoplastic syndrome; Neoplastic Syndromes, Hereditary. Identifiers: Orphanet 140162, MedGen C0027672, MeSH D009386, MONDO:0015356.
Tuberous sclerosis syndrome (TSC). Also called: Tuberous Sclerosis Complex; Tuberous sclerosis. Identifiers: Orphanet 805, MedGen C0041341, MONDO:0001734.
Isolated focal cortical dysplasia type II (FCORD2). Also called: Focal cortical dysplasia type II; CORTICAL DYSPLASIA OF TAYLOR. Identifiers: Orphanet 268994, MedGen C1846385, MONDO:0011818, OMIM 607341, HP:0032051.
Tuberous sclerosis 2 (TSC2). Identifiers: Orphanet 805, MedGen C1860707, MONDO:0013199, OMIM 613254.
Lymphangiomyomatosis (LAM). Also called: Lymphangioleiomyomatosis; Lymphangioleiomyomatosis, somatic. Identifiers: Orphanet 538, MedGen C0751674, MONDO:0011705, OMIM 606690.

Allele frequency attached by ClinVar (database versions not stated): gnomAD 0.00003.
gnomAD v4.1: 3 of 1,612,626 alleles (0.00019%); highest among the groups gnomAD compares: Admixed American, 0.0033%; no homozygotes.

Submissions (6):

Labcorp Genetics (formerly Invitae), Labcorp
Classification: Benign for Tuberous sclerosis 2. Last evaluated: 2025-11-25. Review status: criteria provided, single submitter. Criteria: Invitae Variant Classification Sherloc (09022015). Collection method: clinical testing. Allele origin: germline.

Ambry Genetics
Classification: Uncertain significance for Hereditary cancer-predisposing syndrome. Last evaluated: 2024-07-25. Review status: criteria provided, single submitter. Criteria: Ambry Variant Classification Scheme 2023. Collection method: clinical testing. Allele origin: germline.
Comment: The p.S1094W variant (also known as c.3281C>G), located in coding exon 27 of the TSC2 gene, results from a C to G substitution at nucleotide position 3281. The serine at codon 1094 is replaced by tryptophan, an amino acid with highly dissimilar properties. This amino acid position is not well conserved in available vertebrate species. In addition, the in silico prediction for this alteration is inconclusive. Based on the available evidence, the clinical significance of this variant remains unclear.

Color Diagnostics, LLC DBA Color Health
Classification: Uncertain significance for Tuberous sclerosis syndrome. Last evaluated: 2024-07-24. Review status: criteria provided, single submitter. Criteria: ACMG Guidelines, 2015. Collection method: clinical testing. Allele origin: germline.
Comment: This missense variant replaces serine with tryptophan at codon 1094 of the TSC2 protein. Computational prediction is inconclusive regarding the impact of this variant on protein structure and function. To our knowledge, functional studies have not been reported for this variant. This variant has not been reported in individuals affected with tuberous sclerosis complex in the literature. This variant has been identified in 2/280494 chromosomes in the general population by the Genome Aggregation Database (gnomAD). The available evidence is insufficient to determine the role of this variant in disease conclusively. Therefore, this variant is classified as a Variant of Uncertain Significance.

Fulgent Genetics
Classification: Uncertain significance for Lymphangiomyomatosis; Isolated focal cortical dysplasia type II; Tuberous sclerosis 2. Last evaluated: 2024-01-06. Review status: criteria provided, single submitter. Criteria: ACMG Guidelines, 2015. Collection method: clinical testing. Allele origin: germline.

GeneDx
Classification: Uncertain significance. Last evaluated: 2023-11-14. Review status: criteria provided, single submitter. Criteria: GeneDx Variant Classification Process June 2021. Collection method: clinical testing. Allele origin: germline. Affected: yes.
Comment: In silico analysis supports that this missense variant does not alter protein structure/function; Has not been previously published as pathogenic or benign to our knowledge

Genome-Nilou Lab
Classification: Uncertain significance for Tuberous sclerosis 2. Last evaluated: 2021-11-07. Review status: criteria provided, single submitter. Criteria: ACMG Guidelines, 2015. Collection method: clinical testing. Allele origin: germline. Affected: no.

NM_000548.5(TSC2):c.3281C>G (p.Ser1094Trp)

Gene: TSC2 (TSC complex subunit 2; plus strand). Cytogenetic location: 16p13.3.
Variant type: single nucleotide variant.
Coding change: c.3281C>G on transcript NM_000548.5 (MANE Select); coding-DNA position 3281, C replaced by G.
Protein change: p.Ser1094Trp; replaces serine 1094 with tryptophan.
Molecular consequence: missense variant.
Genome position (GRCh38, 1-based): chr16:2,079,425, C>G. VCF-style: chr16-2079425-C-G. GRCh37 (hg19) VCF-style: chr16-2129426-C-G.
Other names: c.3149C>G, p.Ser1050Trp (NM_001077183.3, NM_001370404.1); c.3281C>G, p.Ser1094Trp (NM_001114382.3); c.3041C>G, p.Ser1014Trp (NM_001318827.2); c.3005C>G, p.Ser1002Trp (NM_001318829.2); c.2549C>G, p.Ser850Trp (NM_001318831.2); c.3182C>G, p.Ser1061Trp (NM_001318832.2); c.3152C>G, p.Ser1051Trp (NM_001363528.2, NM_001370405.1, NM_021055.3); short protein forms S1094W, S1002W, S1014W, S1050W, S850W, S1051W, S1061W.
Identifiers: ClinVar variation 233995 (VCV000233995.18), dbSNP rs397514887, ClinGen allele CA045126.
Genomic context (GRCh38, chr16:2,079,425, plus strand): 5'-GAACCGGGACCCGGTCGTTACTAGGCCTGGACTCGGGGGAGCTGCAGTCCGGCCCGGAGT[C>G]GAGGTGACTGCACCTTCCTTTCCTCCGCGCCTGCCAGCCTCGACACCGGCTGTCCCGAGC-3'
Protein context (NP_000539.2, residues 1084-1104): DSGELQSGPE[Ser1094Trp]SSSPGVHVRQ